The following is an entry in ClinVar:

ClinVar aggregate classification (germline): Conflicting classifications of pathogenicity. Review status: criteria provided, conflicting classifications (1 of 4 stars). 5 submissions from 5 submitters: Uncertain significance (1); Likely benign (3). 1 of the submissions does not count toward it. Last evaluated 2025-06-10.

Conditions:
JAG1-related disorder. Also called: JAG1-related condition; JAG1-related disorders.
Cardiovascular phenotype. Identifiers: MedGen CN230736.
Alagille syndrome due to a JAG1 point mutation. Also called: Alagille Syndrome 1; HEPATIC DUCTULAR HYPOPLASIA, SYNDROMATIC; JAG1-Related Alagille Syndrome. Identifiers: Orphanet 261619, Orphanet 52, MedGen C1956125, MONDO:0016862, OMIM 118450.

Allele frequency attached by ClinVar (database versions not stated): gnomAD 0.00001; ExAC 0.00002; gnomAD exomes 0.00002; TOPMed 0.00003.
gnomAD v4.1: 34 of 1,612,426 alleles (0.0021%); highest among the groups gnomAD compares: Middle Eastern, 0.016%; no homozygotes.

Submissions (5):

Labcorp Genetics (formerly Invitae), Labcorp
Classification: Likely benign for Alagille syndrome due to a JAG1 point mutation. Last evaluated: 2025-06-10. Review status: criteria provided, single submitter. Criteria: Invitae Variant Classification Sherloc (09022015). Collection method: clinical testing. Allele origin: germline.

Blueprint Genetics
Classification: Likely benign. Last evaluated: 2023-03-21. Review status: criteria provided, single submitter. Criteria: ACMG Guidelines, 2015. Collection method: clinical testing. Allele origin: germline.

Ambry Genetics
Classification: Likely benign for Cardiovascular phenotype. Last evaluated: 2019-12-13. Review status: criteria provided, single submitter. Criteria: Ambry Variant Classification Scheme 2023. Collection method: clinical testing. Allele origin: germline.

Eurofins Ntd Llc (ga)
Classification: Uncertain significance. Last evaluated: 2014-05-14. Review status: criteria provided, single submitter. Criteria: EGL Classification Definitions 2015. Collection method: clinical testing. Allele origin: germline. Observed: 1 variant allele, 1 heterozygote.

PreventionGenetics, part of Exact Sciences
Classification: Likely benign for JAG1-related condition. Last evaluated: 2023-11-01. Review status: no assertion criteria provided. Collection method: clinical testing. Allele origin: germline. Not counted in ClinVar's aggregate classification.
Comment: This variant is classified as likely benign based on ACMG/AMP sequence variant interpretation guidelines (Richards et al. 2015 PMID: 25741868, with internal and published modifications).

NM_000214.3(JAG1):c.1101C>T (p.Thr367=)

Gene: JAG1 (jagged canonical Notch ligand 1; minus strand). Cytogenetic location: 20p12.2.
Variant type: single nucleotide variant.
Coding change: c.1101C>T on transcript NM_000214.3 (MANE Select); coding-DNA position 1101, C replaced by T.
Protein change: p.Thr367=; no amino-acid change (threonine 367 retained).
Molecular consequence: synonymous variant.
Genome position (GRCh38, 1-based): chr20:10,651,600, G>A on the plus strand (C>T on the coding strand, the complement: JAG1 is on the minus strand). VCF-style: chr20-10651600-G-A. GRCh37 (hg19) VCF-style: chr20-10632248-G-A.
Other names: c.1101C>T, p.Thr367= (LRG_1191t1).
Identifiers: ClinVar variation 198698 (VCV000198698.17), dbSNP rs766771784, ClinGen allele CA247501.
Genomic context (GRCh38, chr20:10,651,600, plus strand): 5'-AAGGATCCTTAGAATGGACACAGGCTGAAAATTGGACTTACTTGTAGAGCATGTGGGGCC[G>A]GTCCAGCCTGGGGAACACTCACACTCAAAGCCCAGGGAGGTCTCCTTACAGCTGCCTCTG-3'
Protein context (NP_000205.1, residues 357-377): GFECECSPGW[Thr367=]GPTCSTNIDD